The following is an entry in ClinVar:

NM_058216.3(RAD51C):c.156A>G (p.Ile52Met)

Gene: RAD51C (RAD51 paralog C; plus strand). Cytogenetic location: 17q22.
Variant type: single nucleotide variant.
Coding change: c.156A>G on transcript NM_058216.3 (MANE Select); coding-DNA position 156, A replaced by G.
Protein change: p.Ile52Met; replaces isoleucine 52 with methionine.
Molecular consequence: missense variant. On other transcripts: non-coding transcript variant (2).
Genome position (GRCh38, 1-based): chr17:58,694,941, A>G. VCF-style: chr17-58694941-A-G. GRCh37 (hg19) VCF-style: chr17-56772302-A-G.
Other names: c.156A>G, p.Ile52Met (NM_002876.4); short protein forms I52M.
Identifiers: ClinVar variation 949795 (VCV000949795.11), dbSNP rs2047940282, ClinGen allele CA400339580.
Genomic context (GRCh38, chr17:58,694,941, plus strand): 5'-ACTTTTAAATCTCTAAAATTAGGGTTCTTTTTTTCTTATTTTACTTTCAGAAGTTGGGAT[A>G]TCTAAAGCAGAAGCCTTAGAAACTCTGCAAATTATCAGAAGAGAATGTCTCACAAATAAA-3'
Protein context (NP_478123.1, residues 42-62): KPSELSKEVG[Ile52Met]SKAEALETLQ

ClinVar aggregate classification (germline): Uncertain significance. Review status: criteria provided, multiple submitters, no conflicts (2 of 4 stars). 3 submissions from 3 submitters: Uncertain significance (3). Last evaluated 2024-08-05.

Conditions:
Breast-ovarian cancer, familial, susceptibility to, 3. Also called: RAD51C-Related Breast/Ovarian Cancer. Identifiers: Orphanet 145, MedGen C3150659, MONDO:0013253, OMIM 613399.
Fanconi anemia complementation group O. Also called: RAD51C-Related Fanconi Anemia. Identifiers: Orphanet 84, MedGen C3150653, MONDO:0013248, OMIM 613390.
Familial ovarian cancer. Identifiers: MedGen C5679802, MONDO:0016248.

Allele frequency attached by ClinVar (database versions not stated): gnomAD exomes below 0.00001.
gnomAD v4.1: 1 of 1,613,198 alleles (0.000062%); highest among the groups gnomAD compares: Non-Finnish European, 0.000085%; no homozygotes.

Submissions (3):

Molecular Pathology, Peter Maccallum Cancer Centre
Classification: Uncertain significance for Familial ovarian cancer. Last evaluated: 2024-08-05. Review status: criteria provided, single submitter. Criteria: ACMG Guidelines, 2015. Collection method: clinical testing. Allele origin: germline. Inheritance: Autosomal dominant inheritance.

Department of Pathology and Laboratory Medicine, Sinai Health System
Classification: Uncertain significance for Breast-ovarian cancer, familial, susceptibility to, 3. Last evaluated: 2022-12-22. Review status: criteria provided, single submitter. Criteria: ACMG Guidelines, 2015. Collection method: clinical testing. Allele origin: germline. Affected: yes.

Labcorp Genetics (formerly Invitae), Labcorp
Classification: Uncertain significance for Fanconi anemia complementation group O. Last evaluated: 2019-08-08. Review status: criteria provided, single submitter. Criteria: Invitae Variant Classification Sherloc (09022015). Collection method: clinical testing. Allele origin: germline.
Comment: This variant has not been reported in the literature in individuals with RAD51C-related disease. This variant is not present in population databases (ExAC no frequency). This sequence change replaces isoleucine with methionine at codon 52 of the RAD51C protein (p.Ile52Met). The isoleucine residue is moderately conserved and there is a small physicochemical difference between isoleucine and methionine. Algorithms developed to predict the effect of missense changes on protein structure and function (SIFT, PolyPhen-2, Align-GVGD) all suggest that this variant is likely to be tolerated, but these predictions have not been confirmed by published functional studies and their clinical significance is uncertain. In summary, the available evidence is currently insufficient to determine the role of this variant in disease. Therefore, it has been classified as a Variant of Uncertain Significance.